The following is an entry in ClinVar:

NM_001999.4(FBN2):c.4796T>C (p.Val1599Ala)

Gene: FBN2 (fibrillin 2; minus strand). Cytogenetic location: 5q23.3.
Variant type: single nucleotide variant.
Coding change: c.4796T>C on transcript NM_001999.4 (MANE Select); coding-DNA position 4796, T replaced by C.
Protein change: p.Val1599Ala; replaces valine 1599 with alanine.
Molecular consequence: missense variant.
Genome position (GRCh38, 1-based): chr5:128,312,717, A>G on the plus strand (T>C on the coding strand, the complement: FBN2 is on the minus strand). VCF-style: chr5-128312717-A-G. GRCh37 (hg19) VCF-style: chr5-127648409-A-G.
Other names: short protein forms V1599A.
Identifiers: ClinVar variation 3628011 (VCV003628011.2).
Genomic context (GRCh38, chr5:128,312,717, plus strand): 5'-TCACAGGGGTTTCCCCAGGCCTTTCCCAGAGAGCAGCAGCATGAAGAGCGACTGACGCCC[A>G]CCCCGATCTCGGTGTTGCAAGACAGACTCCCATCTCCTCGAGGTCCAAACTTCAGGTAGC-3'
Protein context (NP_001990.2, residues 1589-1609): GSLSCNTEIG[Val1599Ala]GVSRSSCCCS

ClinVar aggregate classification (germline): Uncertain significance (1 of 4 stars; one submission).

Conditions:
Congenital contractural arachnodactyly (CCA). Also called: Arthrogryposis, distal, type 9; BEALS SYNDROME; Beals-Hecht syndrome. Identifiers: Orphanet 115, MedGen C0220668, MONDO:0007363, OMIM 121050.

Submission:

Labcorp Genetics (formerly Invitae), Labcorp
Classification: Uncertain significance for Congenital contractural arachnodactyly. Last evaluated: 2024-04-30. Review status: criteria provided, single submitter. Criteria: Invitae Variant Classification Sherloc (09022015). Collection method: clinical testing. Allele origin: germline.
Comment: This sequence change replaces valine, which is neutral and non-polar, with alanine, which is neutral and non-polar, at codon 1599 of the FBN2 protein (p.Val1599Ala). This variant is not present in population databases (gnomAD no frequency). This variant has not been reported in the literature in individuals affected with FBN2-related conditions. Advanced modeling of protein sequence and biophysical properties (such as structural, functional, and spatial information, amino acid conservation, physicochemical variation, residue mobility, and thermodynamic stability) performed at Invitae indicates that this missense variant is not expected to disrupt FBN2 protein function with a negative predictive value of 80%. In summary, the available evidence is currently insufficient to determine the role of this variant in disease. Therefore, it has been classified as a Variant of Uncertain Significance.